The following is an entry in ClinVar:

NM_015474.4(SAMHD1):c.773G>T (p.Gly258Val)

Gene: SAMHD1 (SAM and HD domain containing deoxynucleoside triphosphate triphosphohydrolase 1; minus strand). Cytogenetic location: 20q11.23.
Variant type: single nucleotide variant.
Coding change: c.773G>T on transcript NM_015474.4 (MANE Select); coding-DNA position 773, G replaced by T.
Protein change: p.Gly258Val; replaces glycine 258 with valine.
Molecular consequence: missense variant.
Genome position (GRCh38, 1-based): chr20:36,919,443, C>A on the plus strand (G>T on the coding strand, the complement: SAMHD1 is on the minus strand). VCF-style: chr20-36919443-C-A. GRCh37 (hg19) VCF-style: chr20-35547846-C-A.
Other names: c.773G>T, p.Gly258Val (NM_001363729.2, NM_001363733.2); short protein forms G258V.
Identifiers: ClinVar variation 1690540 (VCV001690540.2), dbSNP rs1443109791, ClinGen allele CA408846400.

ClinVar aggregate classification (germline): Uncertain significance (1 of 4 stars; one submission).

Submission:

Laboratorio de Genetica e Diagnostico Molecular, Hospital Israelita Albert Einstein
Classification: Uncertain significance. Last evaluated: 2022-01-12. Review status: criteria provided, single submitter. Criteria: ACMG Guidelines, 2015. Collection method: clinical testing. Allele origin: germline. Affected: yes.
Comment: ACMG classification criteria: PM2, PP3